The following is an entry in ClinVar:

ClinVar aggregate classification (germline): Uncertain significance (1 of 4 stars; one submission).

Submission:

Women's Health and Genetics/Laboratory Corporation of America, LabCorp
Classification: Uncertain significance. Last evaluated: 2024-01-09. Review status: criteria provided, single submitter. Criteria: LabCorp Variant Classification Summary - May 2015. Collection method: clinical testing. Allele origin: germline.
Comment: Variant summary: The variant involves the duplication of exons 3-8 in the SHANK2 gene (NM_012309.5). A presumed nomenclature of c.(-13+1_-12-1)_(912+1_913-1)dup has been designated for the purposes of this classification. Although exact breakpoints of this duplication are unknown, it is expected to result in a large duplication change in the SHANK2 gene, including the initiation codon. Therefore the impact of this duplication on the encoded protein is unknown. The variant was absent in 21694 control chromosomes (gnomAD Structural Variants dataset). The available data on variant occurrences in the general population are insufficient to allow any conclusion about variant significance. To our knowledge, no occurrence of c.(-13+1_-12-1)_(912+1_913-1)dup in individuals affected with Autism, Susceptibility To, 17 and no experimental evidence demonstrating its impact on protein function have been reported. No submitters have reported clinical-significance assessments for this variant to ClinVar. Based on the evidence outlined above, the variant was classified as uncertain significance.

NC_000011.9:g.(70785658_70803467)_(70858385_70935742)dup

Gene: SHANK2 (SH3 and multiple ankyrin repeat domains 2; minus strand). Cytogenetic location: 11q13.4.
Variant type: Duplication.
Identifiers: ClinVar variation 3063822 (VCV003063822.1).